The following is an entry in ClinVar:

NM_000551.4(VHL):c.307C>T (p.Pro103Ser)

Gene: VHL (von Hippel-Lindau tumor suppressor; plus strand). Cytogenetic location: 3p25.3.
Variant type: single nucleotide variant.
Coding change: c.307C>T on transcript NM_000551.4 (MANE Select); coding-DNA position 307, C replaced by T.
Protein change: p.Pro103Ser; replaces proline 103 with serine.
Molecular consequence: missense variant. On other transcripts: non-coding transcript variant (1).
Genome position (GRCh38, 1-based): chr3:10,142,154, C>T. VCF-style: chr3-10142154-C-T. GRCh37 (hg19) VCF-style: chr3-10183838-C-T.
Other names: c.307C>T, p.Pro103Ser (NM_001354723.2, NM_198156.3); short protein forms P103S.
Identifiers: ClinVar variation 2934338 (VCV002934338.3), dbSNP rs864622267, ClinGen allele CA351751072.

ClinVar aggregate classification (germline): Uncertain significance (1 of 4 stars; one submission).

Conditions:
Chuvash polycythemia. Also called: POLYCYTHEMIA, VHL-DEPENDENT. Identifiers: Orphanet 238557, MedGen C1837915, MONDO:0009892, OMIM 263400.
Von Hippel-Lindau syndrome (VHLS). Also called: von Hippel–Lindau syndrome; VHL syndrome; Von Hippel-Lindau. Identifiers: Orphanet 892, MedGen C0019562, MONDO:0008667, OMIM 193300. Disease mechanism: loss of function.

Submission:

Labcorp Genetics (formerly Invitae), Labcorp
Classification: Uncertain significance for Von Hippel-Lindau syndrome; Chuvash polycythemia. Last evaluated: 2023-06-11. Review status: criteria provided, single submitter. Criteria: Invitae Variant Classification Sherloc (09022015). Collection method: clinical testing. Allele origin: germline.
Comment: In summary, the available evidence is currently insufficient to determine the role of this variant in disease. Therefore, it has been classified as a Variant of Uncertain Significance. This variant disrupts the p.Pro103 amino acid residue in VHL. Other variant(s) that disrupt this residue have been determined to be pathogenic (PMID: 18928468, 21463266, 23407919, 30877234; Invitae). This suggests that this residue is clinically significant, and that variants that disrupt this residue are likely to be disease-causing. Advanced modeling of protein sequence and biophysical properties (such as structural, functional, and spatial information, amino acid conservation, physicochemical variation, residue mobility, and thermodynamic stability) performed at Invitae indicates that this missense variant is expected to disrupt VHL protein function. This variant has not been reported in the literature in individuals affected with VHL-related conditions. This variant is not present in population databases (gnomAD no frequency). This sequence change replaces proline, which is neutral and non-polar, with serine, which is neutral and polar, at codon 103 of the VHL protein (p.Pro103Ser).

Literature cited by the submitters: PubMed 18928468; PubMed 21463266; PubMed 23407919; PubMed 30877234.